The following is an entry in ClinVar:

NM_002470.4(MYH3):c.4453C>G (p.Leu1485Val)

Gene: MYH3 (myosin heavy chain 3; minus strand). Cytogenetic location: 17p13.1.
Variant type: single nucleotide variant.
Coding change: c.4453C>G on transcript NM_002470.4 (MANE Select); coding-DNA position 4453, C replaced by G.
Protein change: p.Leu1485Val; replaces leucine 1485 with valine.
Molecular consequence: missense variant.
Genome position (GRCh38, 1-based): chr17:10,634,086, G>C on the plus strand (C>G on the coding strand, the complement: MYH3 is on the minus strand). VCF-style: chr17-10634086-G-C. GRCh37 (hg19) VCF-style: chr17-10537403-G-C.
Other names: short protein forms L1485V.
Identifiers: ClinVar variation 3012505 (VCV003012505.3), dbSNP rs2074190582, ClinGen allele CA398142660.

ClinVar aggregate classification (germline): Uncertain significance (1 of 4 stars; one submission).

Allele frequency attached by ClinVar (database versions not stated): TOPMed below 0.00001.

Submission:

Labcorp Genetics (formerly Invitae), Labcorp
Classification: Uncertain significance. Last evaluated: 2023-06-10. Review status: criteria provided, single submitter. Criteria: Invitae Variant Classification Sherloc (09022015). Collection method: clinical testing. Allele origin: germline.
Comment: In summary, the available evidence is currently insufficient to determine the role of this variant in disease. Therefore, it has been classified as a Variant of Uncertain Significance. Advanced modeling of protein sequence and biophysical properties (such as structural, functional, and spatial information, amino acid conservation, physicochemical variation, residue mobility, and thermodynamic stability) performed at Invitae indicates that this missense variant is not expected to disrupt MYH3 protein function. This variant has not been reported in the literature in individuals affected with MYH3-related conditions. This variant is not present in population databases (gnomAD no frequency). This sequence change replaces leucine, which is neutral and non-polar, with valine, which is neutral and non-polar, at codon 1485 of the MYH3 protein (p.Leu1485Val).